The following is an entry in ClinVar:

NM_000129.4(F13A1):c.-26G>A

Gene: F13A1 (coagulation factor XIII A chain; minus strand). Cytogenetic location: 6p25.1.
Variant type: single nucleotide variant.
Coding change: c.-26G>A on transcript NM_000129.4 (MANE Select); 26 bases upstream of the start codon, G replaced by A.
Molecular consequence: 5 prime UTR variant.
Genome position (GRCh38, 1-based): chr6:6,320,594, C>T on the plus strand (G>A on the coding strand, the complement: F13A1 is on the minus strand). VCF-style: chr6-6320594-C-T. GRCh37 (hg19) VCF-style: chr6-6320827-C-T.
Identifiers: ClinVar variation 3034199 (VCV003034199.2), dbSNP rs779064014, ClinGen allele CA3624847.

ClinVar aggregate classification (germline): Likely benign (0 of 4 stars; one submission).

Conditions:
F13A1-related disorder. Also called: F13A1-related condition.

Allele frequency attached by ClinVar (database versions not stated): ExAC 0.00015; gnomAD 0.00024.
gnomAD v4.1: 110 of 468,686 alleles (0.023%); highest among the groups gnomAD compares: Non-Finnish European, 0.045%; no homozygotes.

Submission:

PreventionGenetics, part of Exact Sciences
Classification: Likely benign for F13A1-related condition. Last evaluated: 2020-01-17. Review status: no assertion criteria provided. Collection method: clinical testing. Allele origin: germline.
Comment: This variant is classified as likely benign based on ACMG/AMP sequence variant interpretation guidelines (Richards et al. 2015 PMID: 25741868, with internal and published modifications).